The following is an entry in ClinVar:

ClinVar aggregate classification (germline): Uncertain significance (1 of 4 stars; one submission).

Conditions:
Inborn genetic diseases. Identifiers: MedGen C0950123, MeSH D030342.

gnomAD v4.1: 1 of 1,614,150 alleles (0.000062%); no homozygotes.

Submission:

Ambry Genetics
Classification: Uncertain significance for Inborn genetic diseases. Last evaluated: 2025-01-20. Review status: criteria provided, single submitter. Criteria: Ambry Variant Classification Scheme 2023. Collection method: clinical testing. Allele origin: germline.
Comment: The p.S477I variant (also known as c.1430G>T), located in coding exon 10 of the FANCG gene, results from a G to T substitution at nucleotide position 1430. The serine at codon 477 is replaced by isoleucine, an amino acid with dissimilar properties. This amino acid position is conserved. In addition, this alteration is predicted to be tolerated by in silico analysis. Based on the available evidence, the clinical significance of this variant remains unclear.

NM_004629.2(FANCG):c.1430G>T (p.Ser477Ile)

Gene: FANCG (FA complementation group G; minus strand). Cytogenetic location: 9p13.3.
Variant type: single nucleotide variant.
Coding change: c.1430G>T on transcript NM_004629.2 (MANE Select); coding-DNA position 1430, G replaced by T.
Protein change: p.Ser477Ile; replaces serine 477 with isoleucine.
Molecular consequence: missense variant.
Genome position (GRCh38, 1-based): chr9:35,075,468, C>A on the plus strand (G>T on the coding strand, the complement: FANCG is on the minus strand). VCF-style: chr9-35075468-C-A. GRCh37 (hg19) VCF-style: chr9-35075465-C-A.
Other names: short protein forms S477I.
Identifiers: ClinVar variation 3848415 (VCV003848415.1).